The following is an entry in ClinVar:

NM_020911.2(PLXNA4):c.3738C>T (p.Gly1246=)

Gene: PLXNA4 (plexin A4; minus strand). Cytogenetic location: 7q32.3.
Variant type: single nucleotide variant.
Coding change: c.3738C>T on transcript NM_020911.2 (MANE Select); coding-DNA position 3738, C replaced by T.
Protein change: p.Gly1246=; no amino-acid change (glycine 1246 retained).
Molecular consequence: synonymous variant.
Genome position (GRCh38, 1-based): chr7:132,179,823, G>A on the plus strand (C>T on the coding strand, the complement: PLXNA4 is on the minus strand). VCF-style: chr7-132179823-G-A. GRCh37 (hg19) VCF-style: chr7-131864582-G-A.
Other names: c.3738C>T, p.Gly1246= (NM_001393897.1).
Identifiers: ClinVar variation 3036064 (VCV003036064.2), dbSNP rs202222743, ClinGen allele CA4489392.

ClinVar aggregate classification (germline): Likely benign (0 of 4 stars; one submission).

Conditions:
PLXNA4-related disorder. Also called: PLXNA4-related condition.

gnomAD v4.1: 10 of 1,603,154 alleles (0.00062%); highest among the groups gnomAD compares: Non-Finnish European, 0.00085%; no homozygotes.

Submission:

PreventionGenetics, part of Exact Sciences
Classification: Likely benign for PLXNA4-related condition. Last evaluated: 2021-12-01. Review status: no assertion criteria provided. Collection method: clinical testing. Allele origin: germline.
Comment: This variant is classified as likely benign based on ACMG/AMP sequence variant interpretation guidelines (Richards et al. 2015 PMID: 25741868, with internal and published modifications).